The following is an entry in ClinVar:

NM_015465.5(GEMIN5):c.932G>A (p.Trp311Ter)

Gene: GEMIN5 (gem nuclear organelle associated protein 5; minus strand). Cytogenetic location: 5q33.2.
Variant type: single nucleotide variant.
Coding change: c.932G>A on transcript NM_015465.5 (MANE Select); coding-DNA position 932, G replaced by A.
Protein change: p.Trp311Ter; replaces tryptophan 311 with a stop codon.
Molecular consequence: nonsense.
Genome position (GRCh38, 1-based): chr5:154,927,533, C>T on the plus strand (G>A on the coding strand, the complement: GEMIN5 is on the minus strand). VCF-style: chr5-154927533-C-T. GRCh37 (hg19) VCF-style: chr5-154307093-C-T.
Other names: c.929G>A, p.Trp310Ter (NM_001252156.2); short protein forms W310*, W311*.
Identifiers: ClinVar variation 4845878 (VCV004845878.1).
Genomic context (GRCh38, chr5:154,927,533, plus strand): 5'-TGCCCTTCTGATGAGGCACTGAAGAGGGTGTATTTCCGTCTCCAAGATTGAGTGAGATCC[C>T]ATTGCAACAGTTCACCTCTGTGAAGGAAAAACATAAGCATTAGTTCTTTTACAAACGATC-3'

ClinVar aggregate classification (germline): Likely pathogenic (1 of 4 stars; one submission).

Conditions:
Neurodevelopmental disorder with cerebellar atrophy and motor dysfunction. Identifiers: MedGen C5543427, MONDO:0859152, OMIM 619333.

Submission:

First Genomix Gene Laboratory, Genetic Diagnostics Department
Classification: Likely pathogenic for Neurodevelopmental disorder with cerebellar atrophy and motor dysfunction. Last evaluated: 2025-03-18. Review status: criteria provided, single submitter. Criteria: ACMG Guidelines, 2015. Collection method: clinical testing. Allele origin: germline. Inheritance: Autosomal recessive inheritance. Affected: no. Observed: 1 variant allele.